The following is an entry in ClinVar:

NM_000744.7(CHRNA4):c.629T>C (p.Val210Ala)

Gene: CHRNA4 (cholinergic receptor nicotinic alpha 4 subunit; minus strand). Cytogenetic location: 20q13.33.
Variant type: single nucleotide variant.
Coding change: c.629T>C on transcript NM_000744.7 (MANE Select); coding-DNA position 629, T replaced by C.
Protein change: p.Val210Ala; replaces valine 210 with alanine.
Molecular consequence: missense variant. On other transcripts: non-coding transcript variant (1).
Genome position (GRCh38, 1-based): chr20:63,350,782, A>G on the plus strand (T>C on the coding strand, the complement: CHRNA4 is on the minus strand). VCF-style: chr20-63350782-A-G. GRCh37 (hg19) VCF-style: chr20-61982134-A-G.
Other names: c.101T>C, p.Val34Ala (NM_001256573.2); short protein forms V210A, V34A.
Identifiers: ClinVar variation 956981 (VCV000956981.9), dbSNP rs1252975373, ClinGen allele CA409637461.

ClinVar aggregate classification (germline): Uncertain significance (1 of 4 stars; one submission).

Conditions:
Familial sleep-related hypermotor epilepsy. Also called: Autosomal Dominant Sleep-Related Hypermotor (Hyperkinetic) Epilepsy. Identifiers: Orphanet 98784, MedGen C3696898, MONDO:0000030.

Submission:

Labcorp Genetics (formerly Invitae), Labcorp
Classification: Uncertain significance. Last evaluated: 2022-12-02. Review status: criteria provided, single submitter. Criteria: Invitae Variant Classification Sherloc (09022015). Collection method: clinical testing. Allele origin: germline.
Comment: In summary, the available evidence is currently insufficient to determine the role of this variant in disease. Therefore, it has been classified as a Variant of Uncertain Significance. Algorithms developed to predict the effect of missense changes on protein structure and function output the following: SIFT: "Tolerated"; PolyPhen-2: "Benign"; Align-GVGD: "Class C0". The alanine amino acid residue is found in multiple mammalian species, which suggests that this missense change does not adversely affect protein function. ClinVar contains an entry for this variant (Variation ID: 956981). This variant has not been reported in the literature in individuals affected with CHRNA4-related conditions. This variant is not present in population databases (gnomAD no frequency). This sequence change replaces valine, which is neutral and non-polar, with alanine, which is neutral and non-polar, at codon 210 of the CHRNA4 protein (p.Val210Ala).